The following is an entry in ClinVar:

ClinVar aggregate classification (germline): Uncertain significance (1 of 4 stars; one submission).

gnomAD v4.1: 24 of 1,612,672 alleles (0.0015%); highest among the groups gnomAD compares: Non-Finnish European, 0.0019%; no homozygotes.

Submission:

Labcorp Genetics (formerly Invitae), Labcorp
Classification: Uncertain significance. Last evaluated: 2025-03-18. Review status: criteria provided, single submitter. Criteria: Invitae Variant Classification Sherloc (09022015). Collection method: clinical testing. Allele origin: germline.
Comment: This sequence change replaces aspartic acid, which is acidic and polar, with alanine, which is neutral and non-polar, at codon 1776 of the HMCN1 protein (p.Asp1776Ala). This variant is present in population databases (rs376847972, gnomAD 0.0009%). This variant has not been reported in the literature in individuals affected with HMCN1-related conditions. An algorithm developed to predict the effect of missense changes on protein structure and function (PolyPhen-2) suggests that this variant is likely to be disruptive. In summary, the available evidence is currently insufficient to determine the role of this variant in disease. Therefore, it has been classified as a Variant of Uncertain Significance.

NM_031935.3(HMCN1):c.5327A>C (p.Asp1776Ala)

Gene: HMCN1 (hemicentin 1; plus strand). Cytogenetic location: 1q31.1.
Variant type: single nucleotide variant.
Coding change: c.5327A>C on transcript NM_031935.3 (MANE Select); coding-DNA position 5327, A replaced by C.
Protein change: p.Asp1776Ala; replaces aspartic acid 1776 with alanine.
Molecular consequence: missense variant.
Genome position (GRCh38, 1-based): chr1:186,018,209, A>C. VCF-style: chr1-186018209-A-C. GRCh37 (hg19) VCF-style: chr1-185987341-A-C.
Other names: short protein forms D1776A.
Identifiers: ClinVar variation 4760143 (VCV004760143.1).